The following is an entry in ClinVar:

NM_001040108.2(MLH3):c.4361G>A (p.Ter1454=)

Gene: MLH3 (mutL homolog 3; minus strand). Cytogenetic location: 14q24.3.
Variant type: single nucleotide variant.
Coding change: c.4361G>A on transcript NM_001040108.2 (MANE Select); coding-DNA position 4361, G replaced by A.
Protein change: p.Ter1454=.
Molecular consequence: synonymous variant.
Genome position (GRCh38, 1-based): chr14:75,017,083, C>T on the plus strand (G>A on the coding strand, the complement: MLH3 is on the minus strand). VCF-style: chr14-75017083-C-T. GRCh37 (hg19) VCF-style: chr14-75483786-C-T.
Other names: c.4289G>A, p.Ter1430= (NM_014381.3).
Identifiers: ClinVar variation 4875962 (VCV004875962.1).

ClinVar aggregate classification (germline): Benign (1 of 4 stars; one submission).

Conditions:
Colorectal cancer, hereditary nonpolyposis, type 7. Identifiers: Orphanet 144, MedGen C1858380, MONDO:0013725, OMIM 614385.

Submission:

Myriad Genetics, Inc.
Classification: Benign for Colorectal cancer, hereditary nonpolyposis, type 7. Last evaluated: 2026-05-06. Review status: criteria provided, single submitter. Criteria: Myriad Autosomal Dominant, Autosomal Recessive and X-Linked Classification Criteria (2023). Collection method: clinical testing. Allele origin: unknown.
Comment: This variant is considered benign. This variant is a silent/synonymous amino acid change and it is not expected to impact splicing.